The following is an entry in ClinVar:

NM_000404.4(GLB1):c.1491_1492insTTTAAATTTATTTTATTGATAATTCTTGGGTGTTTCTCACAGAGGGGGATTTGGCAGGGTCATGGGACNNNNNNNNNNTTTTATTTTTTGAGACGGAGTCTTGCTCTGTTGTCTGGGTGGAGTGCAGTGGTGCAATCTCGGCTCACTGCAACCAGGGTTTGGTTTCTT (p.Ser497_Asn498insPheLysPheIleLeuLeuIleIleLeuGlyCysPheSerGlnArgGlyIleTrpGlnGlyHisGlyThrXaaXaaXaaPheTyrPheLeuArgArgSerLeuAlaLeuLeuSerGlyTrpSerAlaValValGlnSerArgLeuThrAlaThrArgValTrpPheLeu)

Gene: GLB1 (galactosidase beta 1; minus strand). Cytogenetic location: 3p22.3.
Variant type: Insertion.
Coding change: c.1491_1492insTTTAAATTTATTTTATTGATAATTCTTGGGTGTTTCTCACAGAGGGGGATTTGGCAGGGTCATGGGACNNNNNNNNNNTTTTATTTTTTGAGACGGAGTCTTGCTCTGTTGTCTGGGTGGAGTGCAGTGGTGCAATCTCGGCTCACTGCAACCAGGGTTTGGTTTCTT on transcript NM_000404.4 (MANE Select); coding-DNA positions 1491 to 1492, TTTAAATTTATTTTATTGATAATTCTTGGGTGTTTCTCACAGAGGGGGATTTGGCAGGGTCATGGGACNNNNNNNNNNTTTTATTTTTTGAGACGGAGTCTTGCTCTGTTGTCTGGGTGGAGTGCAGTGGTGCAATCTCGGCTCACTGCAACCAGGGTTTGGTTTCTT inserted.
Protein change: p.Ser497_Asn498insPheLysPheIleLeuLeuIleIleLeuGlyCysPheSerGlnArgGlyIleTrpGlnGlyHisGlyThrXaaXaaXaaPheTyrPheLeuArgArgSerLeuAlaLeuLeuSerGlyTrpSerAlaValValGlnSerArgLeuThrAlaThrArgValTrpPheLeu.
Molecular consequence: inframe insertion.
Genome position: GRCh38: chr3:33,014,299-33,014,300. GRCh37 (hg19): chr3:33,055,791-33,055,792.
Other names: c.1401_1402insTTTAAATTTATTTTATTGATAATTCTTGGGTGTTTCTCACAGAGGGGGATTTGGCAGGGTCATGGGACNNNNNNNNNNTTTTATTTTTTGAGACGGAGTCTTGCTCTGTTGTCTGGGTGGAGTGCAGTGGTGCAATCTCGGCTCACTGCAACCAGGGTTTGGTTTCTT, p.Ser467_Asn468insPheLysPheIleLeuLeuIleIleLeuGlyCysPheSerGlnArgGlyIleTrpGlnGlyHisGlyThrXaaXaaXaaPheTyrPheLeuArgArgSerLeuAlaLeuLeuSerGlyTrpSerAlaValValGlnSerArgLeuThrAlaThrArgValTrpPheLeu (NM_001079811.3); c.1098_1099insTTTAAATTTATTTTATTGATAATTCTTGGGTGTTTCTCACAGAGGGGGATTTGGCAGGGTCATGGGACNNNNNNNNNNTTTTATTTTTTGAGACGGAGTCTTGCTCTGTTGTCTGGGTGGAGTGCAGTGGTGCAATCTCGGCTCACTGCAACCAGGGTTTGGTTTCTT, p.Ser366_Asn367insPheLysPheIleLeuLeuIleIleLeuGlyCysPheSerGlnArgGlyIleTrpGlnGlyHisGlyThrXaaXaaXaaPheTyrPheLeuArgArgSerLeuAlaLeuLeuSerGlyTrpSerAlaValValGlnSerArgLeuThrAlaThrArgValTrpPheLeu (NM_001135602.3); c.1635_1636insTTTAAATTTATTTTATTGATAATTCTTGGGTGTTTCTCACAGAGGGGGATTTGGCAGGGTCATGGGACNNNNNNNNNNTTTTATTTTTTGAGACGGAGTCTTGCTCTGTTGTCTGGGTGGAGTGCAGTGGTGCAATCTCGGCTCACTGCAACCAGGGTTTGGTTTCTT, p.Ser545_Asn546insPheLysPheIleLeuLeuIleIleLeuGlyCysPheSerGlnArgGlyIleTrpGlnGlyHisGlyThrXaaXaaXaaPheTyrPheLeuArgArgSerLeuAlaLeuLeuSerGlyTrpSerAlaValValGlnSerArgLeuThrAlaThrArgValTrpPheLeu (NM_001317040.2); c.1491_1492insTTTAAATTTATTTTATTGATAATTCTTGGGTGTTTCTCACAGAGGGGGATTTGGCAGGGTCATGGGACNNNNNNNNNNTTTTATTTTTTGAGACGGAGTCTTGCTCTGTTGTCTGGGTGGAGTGCAGTGGTGCAATCTCGGCTCACTGCAACCAGGGTTTGGTTTCTT, p.Ser497_Asn498insPheLysPheIleLeuLeuIleIleLeuGlyCysPheSerGlnArgGlyIleTrpGlnGlyHisGlyThrXaaXaaXaaPheTyrPheLeuArgArgSerLeuAlaLeuLeuSerGlyTrpSerAlaValValGlnSerArgLeuThrAlaThrArgValTrpPheLeu (NM_001393580.1).
Identifiers: ClinVar variation 2107697 (VCV002107697.4), dbSNP rs2471249103.

ClinVar aggregate classification (germline): Pathogenic (1 of 4 stars; one submission).

Conditions:
GM1 gangliosidosis. Identifiers: Orphanet 354, MedGen C0085131, MONDO:0018149.
Mucopolysaccharidosis, MPS-IV-B (MPS4B). Also called: MORQUIO SYNDROME B; Mucopolysaccharidosis Type IVB (Morquio B Disease); Mucopolysaccharidosis type IV B; Mucopolysaccharidosis Type IVB; Mucopolysaccharidosis type 4B; Mucopolysaccharidosis type IVB (Morquio). Identifiers: Orphanet 309310, Orphanet 582, MedGen C0086652, MONDO:0009660, OMIM 253010.

Submission:

Labcorp Genetics (formerly Invitae), Labcorp
Classification: Pathogenic for Mucopolysaccharidosis, MPS-IV-B; GM1 gangliosidosis. Last evaluated: 2022-03-08. Review status: criteria provided, single submitter. Criteria: Invitae Variant Classification Sherloc (09022015). Collection method: clinical testing. Allele origin: germline.
Comment: This sequence change inserts a large fragment of DNA, likely a transposable element, in exon 15 of the GLB1 gene (c.1491_1492ins?), causing a frameshift at codon 497 (p.Ser497fs). The exact size and sequence of the insertion cannot be determined by the current assay. However, the insertion is expected to result in an absent or disrupted protein product. This variant is not present in population databases (gnomAD no frequency). This variant has not been reported in the literature in individuals affected with GLB1-related conditions. Algorithms developed to predict the effect of sequence changes on RNA splicing suggest that this variant may disrupt the consensus splice site. Retrotransposon insertions including LINE1 (L1), Alu, and SVA (SINE-VNTR-Alu) have been reported to be disease-causing through disruption of either a coding region or splice site (PMID: 19763152, 20307669, 22406018) and loss-of-function variants in GLB1 are known to be pathogenic (PMID: 18524657). For these reasons, this variant has been classified as Pathogenic.

Literature cited by the submitters: PubMed 19763152; PubMed 20307669; PubMed 22406018; PubMed 18524657.